The following is an entry in ClinVar:

NM_000890.5(KCNJ5):c.1210G>C (p.Asp404His)

Gene: KCNJ5 (potassium inwardly rectifying channel subfamily J member 5; plus strand). Cytogenetic location: 11q24.3.
Variant type: single nucleotide variant.
Coding change: c.1210G>C on transcript NM_000890.5 (MANE Select); coding-DNA position 1210, G replaced by C.
Protein change: p.Asp404His; replaces aspartic acid 404 with histidine.
Molecular consequence: missense variant.
Genome position (GRCh38, 1-based): chr11:128,916,681, G>C. VCF-style: chr11-128916681-G-C. GRCh37 (hg19) VCF-style: chr11-128786576-G-C.
Other names: c.1210G>C, p.Asp404His (NM_001354169.2); short protein forms D404H.
Identifiers: ClinVar variation 959751 (VCV000959751.10), dbSNP rs1265998559, ClinGen allele CA383236284.

ClinVar aggregate classification (germline): Uncertain significance. Review status: criteria provided, multiple submitters, no conflicts (2 of 4 stars). 2 submissions from 2 submitters: Uncertain significance (2). Last evaluated 2023-11-28.

Conditions:
Cardiovascular phenotype. Identifiers: MedGen CN230736.
Long QT syndrome (LQTS). Identifiers: MedGen C0023976, MeSH D008133, MONDO:0002442. Disease mechanism: loss of function. Inheritance: Various modes of inheritance.

gnomAD v4.1: 2 of 1,611,602 alleles (0.00012%); highest among the groups gnomAD compares: Non-Finnish European, 0.00017%; no homozygotes.

Submissions (2):

Ambry Genetics
Classification: Uncertain significance for Cardiovascular phenotype. Last evaluated: 2023-11-28. Review status: criteria provided, single submitter. Criteria: Ambry Variant Classification Scheme 2023. Collection method: clinical testing. Allele origin: germline.
Comment: The p.D404H variant (also known as c.1210G>C), located in coding exon 2 of the KCNJ5 gene, results from a G to C substitution at nucleotide position 1210. The aspartic acid at codon 404 is replaced by histidine, an amino acid with similar properties. This amino acid position is not well conserved in available vertebrate species. In addition, this alteration is predicted to be tolerated by in silico analysis. Since supporting evidence is limited at this time, the clinical significance of this alteration remains unclear.

Labcorp Genetics (formerly Invitae), Labcorp
Classification: Uncertain significance for Long QT syndrome. Last evaluated: 2019-08-30. Review status: criteria provided, single submitter. Criteria: Invitae Variant Classification Sherloc (09022015). Collection method: clinical testing. Allele origin: germline.
Comment: This variant is not present in population databases (ExAC no frequency). This variant has not been reported in the literature in individuals with KCNJ5-related conditions. This sequence change replaces aspartic acid with histidine at codon 404 of the KCNJ5 protein (p.Asp404His). The aspartic acid residue is weakly conserved and there is a moderate physicochemical difference between aspartic acid and histidine. Algorithms developed to predict the effect of missense changes on protein structure and function (SIFT, PolyPhen-2, Align-GVGD) all suggest that this variant is likely to be tolerated, but these predictions have not been confirmed by published functional studies and their clinical significance is uncertain. In summary, the available evidence is currently insufficient to determine the role of this variant in disease. Therefore, it has been classified as a Variant of Uncertain Significance.